The following is an entry in ClinVar:

NM_005262.3(GFER):c.581G>A (p.Arg194His)

Gene: GFER (growth factor, augmenter of liver regeneration; plus strand). Cytogenetic location: 16p13.3.
Variant type: single nucleotide variant.
Coding change: c.581G>A on transcript NM_005262.3 (MANE Select); coding-DNA position 581, G replaced by A.
Protein change: p.Arg194His; replaces arginine 194 with histidine.
Molecular consequence: missense variant.
Genome position (GRCh38, 1-based): chr16:1,985,991, G>A. VCF-style: chr16-1985991-G-A. GRCh37 (hg19) VCF-style: chr16-2035992-G-A.
Other names: p.R194H:CGC>CAC; short protein forms R194H.
Identifiers: ClinVar variation 8691 (VCV000008691.25), dbSNP rs121908192, ClinGen allele CA119839.

ClinVar aggregate classification (germline): Pathogenic. Review status: criteria provided, multiple submitters, no conflicts (2 of 4 stars). 10 submissions from 10 submitters: Pathogenic (7). 3 of the submissions do not count toward it. Last evaluated 2025-07-01.

Conditions:
Congenital cataract-progressive muscular hypotonia-hearing loss-developmental delay syndrome. Also called: Myopathy with cataract and combined respiratory-chain deficiency; MITOCHONDRIAL COMPLEX DEFICIENCY, COMBINED. Identifiers: Orphanet 330054, MedGen C2751320, MONDO:0013116, OMIM 613076.
Inborn genetic diseases. Identifiers: MedGen C0950123, MeSH D030342.

Allele frequency attached by ClinVar (database versions not stated): gnomAD exomes 0.00001 and 0.00003; gnomAD 0.00003 and 0.00004; TOPMed 0.00003; ExAC 0.00004.

Submissions (10):

Labcorp Genetics (formerly Invitae), Labcorp
Classification: Pathogenic. Last evaluated: 2025-07-01. Review status: criteria provided, single submitter. Criteria: Invitae Variant Classification Sherloc (09022015). Collection method: clinical testing. Allele origin: germline.
Comment: This sequence change replaces arginine, which is basic and polar, with histidine, which is basic and polar, at codon 194 of the GFER protein (p.Arg194His). This variant is present in population databases (rs121908192, gnomAD 0.01%). This missense change has been observed in individuals with mitochondrial myopathy (PMID: 19409522, 26018198, 26944241). It has also been observed to segregate with disease in related individuals. ClinVar contains an entry for this variant (Variation ID: 8691). An algorithm developed to predict the effect of missense changes on protein structure and function (PolyPhen-2) suggests that this variant is likely to be disruptive. Experimental studies have shown that this missense change affects GFER function (PMID: 19409522, 25269795). For these reasons, this variant has been classified as Pathogenic.

Kariminejad - Najmabadi Pathology & Genetics Center
Classification: Pathogenic for Congenital cataract-progressive muscular hypotonia-hearing loss-developmental delay syndrome. Last evaluated: 2024-08-12. Review status: criteria provided, single submitter. Criteria: ACMG Guidelines, 2015. Collection method: clinical testing. Allele origin: germline. Inheritance: Autosomal recessive inheritance. Affected: yes.
Comment: PS3,PM2_M,PM5_SP,PM3_M,PP3_Sp,PP1_SP

GeneDx
Classification: Pathogenic. Last evaluated: 2024-07-31. Review status: criteria provided, single submitter. Criteria: GeneDx Variant Classification Process June 2021. Collection method: clinical testing. Allele origin: germline. Affected: yes.
Comment: Published functional studies suggest a damaging effect (protein instability and altered localization) (PMID: 20593814, 19409522); Not observed at significant frequency in large population cohorts (gnomAD); In silico analysis supports that this missense variant has a deleterious effect on protein structure/function; This variant is associated with the following publications: (PMID: 25269795, 26018198, 33144682, 19409522, 26944241, 34758253, 20593814, 28155230)

Revvity Omics, Revvity
Classification: Pathogenic for Congenital cataract-progressive muscular hypotonia-hearing loss-developmental delay syndrome. Last evaluated: 2022-10-10. Review status: criteria provided, single submitter. Criteria: ACMG Guidelines, 2015. Collection method: clinical testing. Allele origin: germline.

Baylor Genetics
Classification: Pathogenic for Congenital cataract-progressive muscular hypotonia-hearing loss-developmental delay syndrome. Last evaluated: 2017-09-01. Review status: criteria provided, single submitter. Criteria: ACMG Guidelines, 2015. Collection method: clinical testing. Allele origin: germline. Inheritance: Autosomal recessive inheritance. Affected: yes.
Comment: Heterozygotes are expected to be asymptomatic carriers.

Ambry Genetics
Classification: Pathogenic for Inborn genetic diseases. Last evaluated: 2017-07-21. Review status: criteria provided, single submitter. Criteria: Ambry exome assertion method (8-5-2015). Collection method: clinical testing. Allele origin: germline. Affected: yes. Observed: 1 variant allele.

Genomics England Pilot Project, Genomics England
Classification: Pathogenic for Congenital cataract-progressive muscular hypotonia-hearing loss-developmental delay syndrome. Review status: criteria provided, single submitter. Criteria: ACGS Guidelines, 2016. Collection method: clinical testing. Allele origin: germline. Affected: yes.

Mayo Clinic Laboratories, Mayo Clinic
Classification: Pathogenic. Last evaluated: 2016-03-08. Review status: no assertion criteria provided. Collection method: clinical testing. Allele origin: unknown. Not counted in ClinVar's aggregate classification.

OMIM
Classification: Pathogenic for MYOPATHY, MITOCHONDRIAL PROGRESSIVE, WITH CONGENITAL CATARACT AND DEVELOPMENTAL DELAY. Last evaluated: 2014-12-15. Review status: no assertion criteria provided. Collection method: literature only. Allele origin: germline. Not counted in ClinVar's aggregate classification.

UniProtKB/Swiss-Prot
No classification provided. Condition: Myopathy, mitochondrial progressive, with congenital cataract, hearing loss, and developmental delay. Review status: no classification provided. Collection method: not provided. Allele origin: not provided. Not counted in ClinVar's aggregate classification.

Literature cited by the submitters: PubMed 19409522 (cited by 4 submitters); PubMed 26018198 (cited by 3 submitters); PubMed 26944241 (cited by Labcorp Genetics (formerly Invitae), Labcorp); PubMed 25269795 (cited by Labcorp Genetics (formerly Invitae), Labcorp and OMIM); PubMed 20593814 (cited by Baylor Genetics and OMIM); PubMed 25326635 (cited by Baylor Genetics); PubMed 8627443 (cited by OMIM); PubMed 28155230 (cited by OMIM).